The following is an entry in ClinVar:

NM_144658.4(DOCK11):c.6036C>A (p.Tyr2012Ter)

Gene: DOCK11 (dedicator of cytokinesis 11; plus strand). Cytogenetic location: Xq24.
Variant type: single nucleotide variant.
Coding change: c.6036C>A on transcript NM_144658.4 (MANE Select); coding-DNA position 6036, C replaced by A.
Protein change: p.Tyr2012Ter; replaces tyrosine 2012 with a stop codon.
Molecular consequence: nonsense.
Genome position (GRCh38, 1-based): chrX:118,683,151, C>A. VCF-style: chrX-118683151-C-A. GRCh37 (hg19) VCF-style: chrX-117817114-C-A.
Other names: short protein forms Y2012*.
Identifiers: ClinVar variation 4874428 (VCV004874428.2).
Genomic context (GRCh38, chrX:118,683,151, plus strand): 5'-AGCATGCAGCATTGCACTTGAACTAAATGAGCGGCTAATTAAAGAAGATCAAGTTGAGTA[C>A]CATGAAGGGCTAAAGTCAAATTTCAGAGACATGGTAAAAGAATTATCTGACATTATCCAT-3'

ClinVar aggregate classification (germline): Likely pathogenic (1 of 4 stars; one submission).

Submission:

CeGaT Center for Human Genetics Tuebingen
Classification: Likely pathogenic. Last evaluated: 2026-04-01. Review status: criteria provided, single submitter. Criteria: CeGaT Center For Human Genetics Tuebingen Variant Classification Criteria Version 2. Collection method: clinical testing. Allele origin: germline. Affected: yes. Observed: 1 variant allele.
Comment: DOCK11: PVS1:Strong, PM2